The following is an entry in ClinVar:

ClinVar aggregate classification (germline): Uncertain significance (1 of 4 stars; one submission).

Allele frequency attached by ClinVar (database versions not stated): TOPMed 0.00002; gnomAD 0.00003; gnomAD exomes 0.00003 and 0.00006; ExAC 0.00004.
gnomAD v4.1: 48 of 1,614,010 alleles (0.003%); highest among the groups gnomAD compares: Non-Finnish European, 0.00059%; no homozygotes.

Submission:

GeneDx
Classification: Uncertain significance. Last evaluated: 2019-04-29. Review status: criteria provided, single submitter. Criteria: GeneDx Variant Classification Process June 2021. Collection method: clinical testing. Allele origin: germline. Affected: yes.
Comment: Has not been previously published as pathogenic or benign to our knowledge; Not observed at a significant frequency in large population cohorts (Lek et al., 2016); In silico analysis, which includes protein predictors and evolutionary conservation, supports a deleterious effect; In-silico analysis, which includes splice predictors and evolutionary conservation, is inconclusive as to whether the variant alters gene splicing. In the absence of RNA/functional studies, the actual effect of this sequence change is unknown.

NM_001305581.2(LRMDA):c.323G>A (p.Ser108Asn)

Gene: LRMDA (leucine rich melanocyte differentiation associated; plus strand). Cytogenetic location: 10q22.3.
Variant type: single nucleotide variant.
Coding change: c.323G>A on transcript NM_001305581.2 (MANE Select); coding-DNA position 323, G replaced by A.
Protein change: p.Ser108Asn; replaces serine 108 with asparagine.
Molecular consequence: missense variant. On other transcripts: non-coding transcript variant (1).
Genome position (GRCh38, 1-based): chr10:76,047,228, G>A. VCF-style: chr10-76047228-G-A. GRCh37 (hg19) VCF-style: chr10-77806986-G-A.
Other names: c.239G>A, p.Ser80Asn (NM_032024.5); short protein forms S108N, S80N.
Identifiers: ClinVar variation 1302383 (VCV001302383.2), dbSNP rs201719589, ClinGen allele CA5567582.